The following is an entry in ClinVar:

ClinVar aggregate classification (germline): Uncertain significance (1 of 4 stars; one submission).

Submission:

Labcorp Genetics (formerly Invitae), Labcorp
Classification: Uncertain significance. Last evaluated: 2021-12-03. Review status: criteria provided, single submitter. Criteria: Invitae Variant Classification Sherloc (09022015). Collection method: clinical testing. Allele origin: germline.
Comment: In summary, the available evidence is currently insufficient to determine the role of this variant in disease. Therefore, it has been classified as a Variant of Uncertain Significance. Experimental studies and prediction algorithms are not available or were not evaluated, and the functional significance of this variant is currently unknown. This variant has not been reported in the literature in individuals affected with SLCO5A1-related conditions. This variant is not present in population databases (gnomAD no frequency). This sequence change results in a frameshift in the SLCO5A1 gene (p.Gly813Argfs*45). While this is not anticipated to result in nonsense mediated decay, it is expected to disrupt the last 36 amino acid(s) of the SLCO5A1 protein and extend the protein by 8 additional amino acid residues.

NM_030958.3(SLCO5A1):c.2436dup (p.Gly813fs)

Gene: SLCO5A1 (solute carrier organic anion transporter family member 5A1; minus strand). Cytogenetic location: 8q13.3.
Variant type: Duplication.
Coding change: c.2436dup on transcript NM_030958.3 (MANE Select); coding-DNA position 2436, one base duplicated (A; older notation c.2436dupA).
Protein change: p.Gly813fs; shifts the reading frame from glycine 813.
Molecular consequence: frameshift variant. On other transcripts: 3 prime UTR variant (1).
Genome position (GRCh38, 1-based): chr8:69,672,980, T duplicated on the plus strand (A on the coding strand, the reverse complement: SLCO5A1 is on the minus strand); the first of 5 consecutive T bases (chr8:69,672,980-69,672,984); duplicating any one gives the same sequence. VCF-style (leftmost placement, unchanged base first): chr8-69672979-C-CT. GRCh37 (hg19) VCF-style: chr8-70585214-C-CT.
Other names: c.*307dup (NM_001146008.2); c.2271dup, p.Gly758fs (NM_001146009.1); short protein forms G813fs, G758fs.
Identifiers: ClinVar variation 1489379 (VCV001489379.6), dbSNP rs2130781454, ClinGen allele CA2573143481.